The following is an entry in ClinVar:

ClinVar aggregate classification (germline): Uncertain significance (1 of 4 stars; one submission).

Conditions:
Hajdu-Cheney syndrome (HJCYS). Also called: ACROOSTEOLYSIS WITH OSTEOPOROSIS AND CHANGES IN SKULL AND MANDIBLE; SERPENTINE FIBULA-POLYCYSTIC KIDNEY SYNDROME; Acroosteolysis dominant type. Identifiers: Orphanet 955, MedGen C0917715, MONDO:0007057, OMIM 102500.

Submission:

Labcorp Genetics (formerly Invitae), Labcorp
Classification: Uncertain significance for Hajdu-Cheney syndrome. Last evaluated: 2024-05-15. Review status: criteria provided, single submitter. Criteria: Invitae Variant Classification Sherloc (09022015). Collection method: clinical testing. Allele origin: germline.
Comment: This sequence change replaces aspartic acid, which is acidic and polar, with asparagine, which is neutral and polar, at codon 1874 of the NOTCH2 protein (p.Asp1874Asn). This variant is not present in population databases (gnomAD no frequency). This variant has not been reported in the literature in individuals affected with NOTCH2-related conditions. Advanced modeling of protein sequence and biophysical properties (such as structural, functional, and spatial information, amino acid conservation, physicochemical variation, residue mobility, and thermodynamic stability) performed at Invitae indicates that this missense variant is expected to disrupt NOTCH2 protein function with a positive predictive value of 80%. In summary, the available evidence is currently insufficient to determine the role of this variant in disease. Therefore, it has been classified as a Variant of Uncertain Significance.

NM_024408.4(NOTCH2):c.5620G>A (p.Asp1874Asn)

Gene: NOTCH2 (notch receptor 2; minus strand). Cytogenetic location: 1p12.
Variant type: single nucleotide variant.
Coding change: c.5620G>A on transcript NM_024408.4 (MANE Select); coding-DNA position 5620, G replaced by A.
Protein change: p.Asp1874Asn; replaces aspartic acid 1874 with asparagine.
Molecular consequence: missense variant.
Genome position (GRCh38, 1-based): chr1:119,919,473, C>T on the plus strand (G>A on the coding strand, the complement: NOTCH2 is on the minus strand). VCF-style: chr1-119919473-C-T. GRCh37 (hg19) VCF-style: chr1-120462096-C-T.
Other names: short protein forms D1874N.
Identifiers: ClinVar variation 3652756 (VCV003652756.2).